The following is an entry in ClinVar:

NM_006267.5(RANBP2):c.6613G>C (p.Gly2205Arg)

Gene: RANBP2 (RAN binding protein 2; plus strand). Cytogenetic location: 2q13.
Variant type: single nucleotide variant.
Coding change: c.6613G>C on transcript NM_006267.5 (MANE Select); coding-DNA position 6613, G replaced by C.
Protein change: p.Gly2205Arg; replaces glycine 2205 with arginine.
Molecular consequence: missense variant.
Genome position (GRCh38, 1-based): chr2:108,767,152, G>C. VCF-style: chr2-108767152-G-C. GRCh37 (hg19) VCF-style: chr2-109383608-G-C.
Other names: short protein forms G2205R.
Identifiers: ClinVar variation 469479 (VCV000469479.35), dbSNP rs755789696, ClinGen allele CA1823461.

ClinVar aggregate classification (germline): Conflicting classifications of pathogenicity. Review status: criteria provided, conflicting classifications (1 of 4 stars). 3 submissions from 3 submitters: Uncertain significance (1); Benign (1); Likely benign (1). Last evaluated 2022-07-06.

Conditions:
Familial acute necrotizing encephalopathy (IIAE3). Also called: Susceptibility to Acute Necrotizing Encephalopathy 1; ENCEPHALOPATHY, ACUTE, INFECTION-INDUCED, SUSCEPTIBILITY TO, 3. Identifiers: Orphanet 88619, MedGen C2675556, MONDO:0011953, OMIM 608033.

Allele frequency attached by ClinVar (database versions not stated): 1000 Genomes Project 30x 0.00016.

Submissions (3):

Labcorp Genetics (formerly Invitae), Labcorp
Classification: Likely benign for Familial acute necrotizing encephalopathy. Last evaluated: 2022-07-06. Review status: criteria provided, single submitter. Criteria: Invitae Variant Classification Sherloc (09022015). Collection method: clinical testing. Allele origin: germline.

CeGaT Center for Human Genetics Tuebingen
Classification: Benign. Last evaluated: 2022-04-01. Review status: criteria provided, single submitter. Criteria: CeGaT Center For Human Genetics Tuebingen Variant Classification Criteria Version 2. Collection method: clinical testing. Allele origin: germline. Affected: yes. Observed: 1 variant allele.
Comment: RANBP2: BS1, BS2

Department of Pathology and Laboratory Medicine, Sinai Health System
Classification: Uncertain significance for Familial acute necrotizing encephalopathy. Last evaluated: 2021-07-30. Review status: criteria provided, single submitter. Criteria: ACMG Guidelines, 2015. Collection method: research. Allele origin: germline.